The following is an entry in ClinVar:

NM_005378.6(MYCN):c.1193G>A (p.Arg398Gln)

Gene: MYCN (MYCN proto-oncogene, bHLH transcription factor; plus strand). Cytogenetic location: 2p24.3.
Variant type: single nucleotide variant.
Coding change: c.1193G>A on transcript NM_005378.6 (MANE Select); coding-DNA position 1193, G replaced by A.
Protein change: p.Arg398Gln; replaces arginine 398 with glutamine.
Molecular consequence: missense variant. On other transcripts: 3 prime UTR variant (1).
Genome position (GRCh38, 1-based): chr2:15,945,895, G>A. VCF-style: chr2-15945895-G-A. GRCh37 (hg19) VCF-style: chr2-16086017-G-A.
Other names: c.1193G>A, p.Arg398Gln (NM_001293228.2); c.560G>A, p.Arg187Gln (NM_001293231.2); c.*1128G>A (NM_001293233.2); short protein forms R187Q, R398Q.
Identifiers: ClinVar variation 2824141 (VCV002824141.3), dbSNP rs2103331604, ClinGen allele CA345932475.
Genomic context (GRCh38, chr2:15,945,895, plus strand): 5'-AGGACAGTGAGCGTCGCAGAAACCACAACATCCTGGAGCGCCAGCGCCGCAACGACCTTC[G>A]GTCCAGCTTTCTCACGCTCAGGGACCACGTGCCGGAGTTGGTAAAGAATGAGAAGGCCGC-3'
Protein context (NP_005369.2, residues 388-408): ILERQRRNDL[Arg398Gln]SSFLTLRDHV

ClinVar aggregate classification (germline): Uncertain significance (1 of 4 stars; one submission).

Allele frequency attached by ClinVar (database versions not stated): gnomAD exomes below 0.00001.

Submission:

Labcorp Genetics (formerly Invitae), Labcorp
Classification: Uncertain significance. Last evaluated: 2022-12-25. Review status: criteria provided, single submitter. Criteria: Invitae Variant Classification Sherloc (09022015). Collection method: clinical testing. Allele origin: germline.
Comment: This sequence change replaces arginine, which is basic and polar, with glutamine, which is neutral and polar, at codon 398 of the MYCN protein (p.Arg398Gln). This variant is not present in population databases (gnomAD no frequency). This variant has not been reported in the literature in individuals affected with MYCN-related conditions. Advanced modeling of protein sequence and biophysical properties (such as structural, functional, and spatial information, amino acid conservation, physicochemical variation, residue mobility, and thermodynamic stability) has been performed at Invitae for this missense variant, however the output from this modeling did not meet the statistical confidence thresholds required to predict the impact of this variant on MYCN protein function. In summary, the available evidence is currently insufficient to determine the role of this variant in disease. Therefore, it has been classified as a Variant of Uncertain Significance.